The following is an entry in ClinVar:

NM_015512.5(DNAH1):c.1270A>T (p.Met424Leu)

Gene: DNAH1 (dynein axonemal heavy chain 1; plus strand). Cytogenetic location: 3p21.1.
Variant type: single nucleotide variant.
Coding change: c.1270A>T on transcript NM_015512.5 (MANE Select); coding-DNA position 1270, A replaced by T.
Protein change: p.Met424Leu; replaces methionine 424 with leucine.
Molecular consequence: missense variant.
Genome position (GRCh38, 1-based): chr3:52,332,378, A>T. VCF-style: chr3-52332378-A-T. GRCh37 (hg19) VCF-style: chr3-52366394-A-T.
Other names: short protein forms M424L.
Identifiers: ClinVar variation 2927206 (VCV002927206.2), dbSNP rs537215946, ClinGen allele CA2432912.
Genomic context (GRCh38, chr3:52,332,378, plus strand): 5'-CATGTCATCAGTGAACAGAGCCTGAGCAAGATCAAGCAGTGGGCCCTGAGCACGCCTCGG[A>T]TGCGCAAAGGCCCCTCGTGAGTCCCCGCTCGGCCTTCCCTATTCTGGGCATCACCTTCTT-3'
Protein context (NP_056327.4, residues 414-434): IKQWALSTPR[Met424Leu]RKGPSVLEHL

ClinVar aggregate classification (germline): Uncertain significance (1 of 4 stars; one submission).

Conditions:
Spermatogenic failure 18. Identifiers: MedGen C4539783, MONDO:0054615, OMIM 617576.
Ciliary dyskinesia, primary, 37 (CILD37). Also called: CILIARY DYSKINESIA, PRIMARY, 37, WITH OR WITHOUT SITUS INVERSUS. Identifiers: MedGen C4539798, MONDO:0033204, OMIM 617577.

Allele frequency attached by ClinVar (database versions not stated): gnomAD 0.00001; gnomAD exomes 0.00001; ExAC 0.00005; 1000 Genomes Project 0.00020; 1000 Genomes Project 30x 0.00031.
gnomAD v4.1: 21 of 1,613,500 alleles (0.0013%); highest among the groups gnomAD compares: South Asian, 0.023%; no homozygotes.

Submission:

Labcorp Genetics (formerly Invitae), Labcorp
Classification: Uncertain significance for Ciliary dyskinesia, primary, 37; Spermatogenic failure 18. Last evaluated: 2023-03-18. Review status: criteria provided, single submitter. Criteria: Invitae Variant Classification Sherloc (09022015). Collection method: clinical testing. Allele origin: germline.
Comment: In summary, the available evidence is currently insufficient to determine the role of this variant in disease. Therefore, it has been classified as a Variant of Uncertain Significance. An algorithm developed to predict the effect of missense changes on protein structure and function (PolyPhen-2) suggests that this variant¬¨‚Ä† is likely to be tolerated. This variant has not been reported in the literature in individuals affected with DNAH1-related conditions. This variant is present in population databases (rs537215946, gnomAD 0.03%). This sequence change replaces methionine, which is neutral and non-polar, with leucine, which is neutral and non-polar, at codon 424 of the DNAH1 protein (p.Met424Leu).